The following is an entry in ClinVar:

NM_145290.4(ADGRA3):c.3334G>T (p.Gly1112Cys)

Gene: ADGRA3 (adhesion G protein-coupled receptor A3; minus strand). Cytogenetic location: 4p15.2.
Variant type: single nucleotide variant.
Coding change: c.3334G>T on transcript NM_145290.4 (MANE Select); coding-DNA position 3334, G replaced by T.
Protein change: p.Gly1112Cys; replaces glycine 1112 with cysteine.
Molecular consequence: missense variant.
Genome position (GRCh38, 1-based): chr4:22,388,337, C>A on the plus strand (G>T on the coding strand, the complement: ADGRA3 is on the minus strand). VCF-style: chr4-22388337-C-A. GRCh37 (hg19) VCF-style: chr4-22389960-C-A.
Other names: short protein forms G1112C.
Identifiers: ClinVar variation 2755645 (VCV002755645.3), dbSNP rs764007687, ClinGen allele CA2873391.
Genomic context (GRCh38, chr4:22,388,337, plus strand): 5'-AAGGTAAAGAATTGGCATGGCACTGAGCTGCAGCCGCCTGCAAGTTTGTTAATTTGCAGC[C>A]CTGGGAGGAATTTTTGAAGCTTGAAGCACTTTTGTTTGTGCATGAAGACTCCGCACTGCT-3'
Protein context (NP_660333.2, residues 1102-1122): SASSFKNSSQ[Gly1112Cys]CKLTNLQAAA

ClinVar aggregate classification (germline): Uncertain significance (1 of 4 stars; one submission).

Allele frequency attached by ClinVar (database versions not stated): ExAC 0.00001; gnomAD exomes 0.00001.
gnomAD v4.1: 9 of 1,613,924 alleles (0.00056%); highest among the groups gnomAD compares: South Asian, 0.0099%; no homozygotes.

Submission:

Labcorp Genetics (formerly Invitae), Labcorp
Classification: Uncertain significance. Last evaluated: 2023-12-11. Review status: criteria provided, single submitter. Criteria: Invitae Variant Classification Sherloc (09022015). Collection method: clinical testing. Allele origin: germline.
Comment: This sequence change replaces glycine, which is neutral and non-polar, with cysteine, which is neutral and slightly polar, at codon 1112 of the ADGRA3 protein (p.Gly1112Cys). This variant is present in population databases (rs764007687, gnomAD 0.006%). This variant has not been reported in the literature in individuals affected with ADGRA3-related conditions. An algorithm developed to predict the effect of missense changes on protein structure and function (PolyPhen-2) suggests that this variant is likely to be tolerated. In summary, the available evidence is currently insufficient to determine the role of this variant in disease. Therefore, it has been classified as a Variant of Uncertain Significance.